The following is an entry in ClinVar:

NM_001102401.4(TTI2):c.326C>T (p.Ala109Val)

Gene: TTI2 (TELO2 interacting protein 2; minus strand). Cytogenetic location: 8p12.
Variant type: single nucleotide variant.
Coding change: c.326C>T on transcript NM_001102401.4 (MANE Select); coding-DNA position 326, C replaced by T.
Protein change: p.Ala109Val; replaces alanine 109 with valine.
Molecular consequence: missense variant.
Genome position (GRCh38, 1-based): chr8:33,512,288, G>A on the plus strand (C>T on the coding strand, the complement: TTI2 is on the minus strand). VCF-style: chr8-33512288-G-A. GRCh37 (hg19) VCF-style: chr8-33369806-G-A.
Other names: c.326C>T, p.Ala109Val (NM_001265581.2, NM_001330505.3, NM_025115.5); short protein forms A109V.
Identifiers: ClinVar variation 2662639 (VCV002662639.1), dbSNP rs144105577, ClinGen allele CA4707365.

ClinVar aggregate classification (germline): Uncertain significance (1 of 4 stars; one submission).

Allele frequency attached by ClinVar (database versions not stated): TOPMed 0.00002; gnomAD 0.00003; gnomAD exomes 0.00005; ESP Exome Variant Server 0.00008; ExAC 0.00010.
gnomAD v4.1: 80 of 1,614,046 alleles (0.005%); highest among the groups gnomAD compares: East Asian, 0.16%; no homozygotes.

Submission:

GeneDx
Classification: Uncertain significance. Last evaluated: 2023-10-25. Review status: criteria provided, single submitter. Criteria: GeneDx Variant Classification Process June 2021. Collection method: clinical testing. Allele origin: germline. Affected: yes.
Comment: In silico analysis supports that this missense variant does not alter protein structure/function; Has not been previously published as pathogenic or benign to our knowledge